The following is an entry in ClinVar:

NM_015978.3(TNNI3K):c.359T>C (p.Leu120Pro)

Genes: FPGT-TNNI3K (FPGT-TNNI3K readthrough; plus strand), TNNI3K (TNNI3 interacting kinase; plus strand). Cytogenetic location: 1p31.1.
Variant type: single nucleotide variant.
Coding change: c.359T>C on transcript NM_015978.3 (MANE Select); coding-DNA position 359, T replaced by C.
Protein change: p.Leu120Pro; replaces leucine 120 with proline.
Molecular consequence: missense variant.
Genome position (GRCh38, 1-based): chr1:74,271,623, T>C. VCF-style: chr1-74271623-T-C. GRCh37 (hg19) VCF-style: chr1-74737307-T-C.
Other names: c.662T>C, p.Leu221Pro (NM_001112808.3, NM_001199327.2); short protein forms L120P, L221P.
Identifiers: ClinVar variation 3622329 (VCV003622329.2).

ClinVar aggregate classification (germline): Uncertain significance (1 of 4 stars; one submission).

gnomAD v4.1: 1 of 1,608,234 alleles (0.000062%); highest among the groups gnomAD compares: African/African-American, 0.0013%; no homozygotes.

Submission:

Labcorp Genetics (formerly Invitae), Labcorp
Classification: Uncertain significance. Last evaluated: 2026-01-15. Review status: criteria provided, single submitter. Criteria: Invitae Variant Classification Sherloc (09022015). Collection method: clinical testing. Allele origin: germline.
Comment: This sequence change replaces leucine, which is neutral and non-polar, with proline, which is neutral and non-polar, at codon 120 of the TNNI3K protein (p.Leu120Pro). This variant is not present in population databases (gnomAD no frequency). This variant has not been reported in the literature in individuals affected with TNNI3K-related conditions. ClinVar contains an entry for this variant (Variation ID: 3622329). Invitae Evidence Modeling of protein sequence and biophysical properties (such as structural, functional, and spatial information, amino acid conservation, physicochemical variation, residue mobility, and thermodynamic stability) has been performed for this missense variant. However, the output from this modeling did not meet the statistical confidence thresholds required to predict the impact of this variant on TNNI3K protein function. In summary, the available evidence is currently insufficient to determine the role of this variant in disease. Therefore, it has been classified as a Variant of Uncertain Significance.